The following is an entry in ClinVar:

NM_007327.4(GRIN1):c.157C>G (p.His53Asp)

Gene: GRIN1 (glutamate ionotropic receptor NMDA type subunit 1; plus strand). Cytogenetic location: 9q34.3.
Variant type: single nucleotide variant.
Coding change: c.157C>G on transcript NM_007327.4 (MANE Select); coding-DNA position 157, C replaced by G.
Protein change: p.His53Asp; replaces histidine 53 with aspartic acid.
Molecular consequence: missense variant.
Genome position (GRCh38, 1-based): chr9:137,139,643, C>G. VCF-style: chr9-137139643-C-G. GRCh37 (hg19) VCF-style: chr9-140034095-C-G.
Other names: c.157C>G, p.His53Asp (NM_000832.7, NM_001185090.2, NM_001185091.2 and 1 more transcripts); short protein forms H53D.
Identifiers: ClinVar variation 4072519 (VCV004072519.1).

ClinVar aggregate classification (germline): Uncertain significance (1 of 4 stars; one submission).

gnomAD v4.1: 1 of 1,613,916 alleles (0.000062%); highest among the groups gnomAD compares: African/African-American, 0.0013%; no homozygotes.

Submission:

GeneDx
Classification: Uncertain significance. Last evaluated: 2025-01-27. Review status: criteria provided, single submitter. Criteria: GeneDx Variant Classification Process June 2021. Collection method: clinical testing. Allele origin: germline. Affected: yes.
Comment: Not observed at significant frequency in large population cohorts (gnomAD); In silico analysis supports that this missense variant has a deleterious effect on protein structure/function; Has not been previously published as pathogenic or benign to our knowledge